The following is an entry in ClinVar:

NM_001009944.3(PKD1):c.3956G>A (p.Gly1319Glu)

Gene: PKD1 (polycystin 1, transient receptor potential channel interacting; minus strand). Cytogenetic location: 16p13.3.
Variant type: single nucleotide variant.
Coding change: c.3956G>A on transcript NM_001009944.3 (MANE Select); coding-DNA position 3956, G replaced by A.
Protein change: p.Gly1319Glu; replaces glycine 1319 with glutamic acid.
Molecular consequence: missense variant.
Genome position (GRCh38, 1-based): chr16:2,111,211, C>T on the plus strand (G>A on the coding strand, the complement: PKD1 is on the minus strand). VCF-style: chr16-2111211-C-T. GRCh37 (hg19) VCF-style: chr16-2161212-C-T.
Other names: c.3956G>A, p.Gly1319Glu (NM_000296.4); short protein forms G1319E.
Identifiers: ClinVar variation 5019418 (VCV005019418.2).

ClinVar aggregate classification (germline): Uncertain significance (1 of 4 stars; one submission).

Conditions:
Polycystic kidney disease, adult type (PKD1). Also called: Polycystic Kidney Disease 1, Autosomal Dominant; Polycystic kidney disease 1; Polycystic kidney disease 1, severe; POLYCYSTIC KIDNEY DISEASE, ADULT, TYPE I; POLYCYSTIC KIDNEY DISEASE 1 WITH OR WITHOUT POLYCYSTIC LIVER DISEASE; Polycystic Kidney, Autosomal Dominant. Identifiers: MedGen C3149841, MONDO:0008263, OMIM 173900.

Submission:

Juno Genomics, Hangzhou Juno Genomics, Inc
Classification: Uncertain significance for Polycystic kidney disease, adult type. Review status: criteria provided, single submitter. Criteria: ACMG Guidelines, 2015. Collection method: clinical testing. Allele origin: germline.
Comment: Absent from controls (or at extremely low frequency if recessive) in Genome Aggregation Database.;Novel missense change at an amino acid residue where a different missense change determined to be pathogenic has been seen before.